The following is an entry in ClinVar:

ClinVar aggregate classification (germline): Uncertain significance (1 of 4 stars; one submission).

Submission:

CeGaT Center for Human Genetics Tuebingen
Classification: Uncertain significance. Last evaluated: 2025-07-01. Review status: criteria provided, single submitter. Criteria: CeGaT Center For Human Genetics Tuebingen Variant Classification Criteria Version 2. Collection method: clinical testing. Allele origin: germline. Affected: yes. Observed: 1 variant allele.
Comment: JAK2: PM2, BP4

NM_004972.4(JAK2):c.412C>G (p.Arg138Gly)

Genes: INSL6 (insulin like 6; minus strand), JAK2 (Janus kinase 2; plus strand). Cytogenetic location: 9p24.1.
Variant type: single nucleotide variant.
Coding change: c.412C>G on transcript NM_004972.4 (MANE Select); coding-DNA position 412, C replaced by G.
Protein change: p.Arg138Gly; replaces arginine 138 with glycine.
Molecular consequence: missense variant. On other transcripts: 5 prime UTR variant (3), non-coding transcript variant (2).
Genome position (GRCh38, 1-based): chr9:5,044,464, C>G. VCF-style: chr9-5044464-C-G. GRCh37 (hg19) VCF-style: chr9-5044464-C-G.
Other names: c.412C>G, p.Arg138Gly (NM_001322194.2, NM_001322195.2, NM_001322196.2); c.-709C>G (NM_001322198.2, NM_001322199.2); c.-36C>G (NM_001322204.2); short protein forms R138G.
Identifiers: ClinVar variation 4085489 (VCV004085489.8).